The following is an entry in ClinVar:

NM_002907.4(RECQL):c.422T>C (p.Ile141Thr)

Gene: RECQL (RecQ like helicase; minus strand). Cytogenetic location: 12p12.1.
Variant type: single nucleotide variant.
Coding change: c.422T>C on transcript NM_002907.4 (MANE Select); coding-DNA position 422, T replaced by C.
Protein change: p.Ile141Thr; replaces isoleucine 141 with threonine.
Molecular consequence: missense variant.
Genome position (GRCh38, 1-based): chr12:21,486,558, A>G on the plus strand (T>C on the coding strand, the complement: RECQL is on the minus strand). VCF-style: chr12-21486558-A-G. GRCh37 (hg19) VCF-style: chr12-21639492-A-G.
Other names: c.422T>C (NM_002907.3); c.422T>C, p.Ile141Thr (NM_032941.3); short protein forms I141T.
Identifiers: ClinVar variation 2191418 (VCV002191418.5), dbSNP rs2540387310, ClinGen allele CA384130283.
Genomic context (GRCh38, chr12:21,486,558, plus strand): 5'-AACATGGTTGCTGAAATTCCTAATTGTTTTAAAACCATTAATTGGTCTTCCATAAGAGAG[A>G]TCAATGGGCAAATGACGAGTGTAAAACCTAAAAGAGAAAAAAAAAAAAATCTACCTTAAA-3'
Protein context (NP_002898.2, residues 131-151): DGFTLVICPL[Ile141Thr]SLMEDQLMVL

ClinVar aggregate classification (germline): Uncertain significance. Review status: criteria provided, multiple submitters, no conflicts (2 of 4 stars). 2 submissions from 2 submitters: Uncertain significance (2). Last evaluated 2024-04-19.

Submissions (2):

Ambry Genetics
Classification: Uncertain significance. Last evaluated: 2024-04-19. Review status: criteria provided, single submitter. Criteria: Ambry Variant Classification Scheme 2023. Collection method: clinical testing. Allele origin: germline.
Comment: The p.I141T variant (also known as c.422T>C), located in coding exon 4 of the RECQL gene, results from a T to C substitution at nucleotide position 422. The isoleucine at codon 141 is replaced by threonine, an amino acid with similar properties. This amino acid position is conserved. In addition, the in silico prediction for this alteration is inconclusive. Based on the available evidence, the clinical significance of this variant remains unclear.

Labcorp Genetics (formerly Invitae), Labcorp
Classification: Uncertain significance. Last evaluated: 2022-05-04. Review status: criteria provided, single submitter. Criteria: Invitae Variant Classification Sherloc (09022015). Collection method: clinical testing. Allele origin: germline.
Comment: This sequence change replaces isoleucine, which is neutral and non-polar, with threonine, which is neutral and polar, at codon 141 of the RECQL protein (p.Ile141Thr). This variant is not present in population databases (gnomAD no frequency). In summary, the available evidence is currently insufficient to determine the role of this variant in disease. Therefore, it has been classified as a Variant of Uncertain Significance. Algorithms developed to predict the effect of missense changes on protein structure and function (SIFT, PolyPhen-2, Align-GVGD) all suggest that this variant is likely to be disruptive. This variant has not been reported in the literature in individuals affected with RECQL-related conditions.